The following is an entry in ClinVar:

NM_203447.4(DOCK8):c.1649G>A (p.Arg550Gln)

Gene: DOCK8 (dedicator of cytokinesis 8; plus strand). Cytogenetic location: 9p24.3.
Variant type: single nucleotide variant.
Coding change: c.1649G>A on transcript NM_203447.4 (MANE Select); coding-DNA position 1649, G replaced by A.
Protein change: p.Arg550Gln; replaces arginine 550 with glutamine.
Molecular consequence: missense variant.
Genome position (GRCh38, 1-based): chr9:340,291, G>A. VCF-style: chr9-340291-G-A. GRCh37 (hg19) VCF-style: chr9-340291-G-A.
Other names: c.1445G>A, p.Arg482Gln (NM_001190458.2, NM_001193536.2); short protein forms R550Q, R482Q.
Identifiers: ClinVar variation 366677 (VCV000366677.7), dbSNP rs886063879, ClinGen allele CA10627261.
Genomic context (GRCh38, chr9:340,291, plus strand): 5'-TGAAACCCTTTCCTGAAAACCGGACACGCCCGCACAAAGAGATTTTGGAATTTCCAACAC[G>A]AGAAGTATATGTCCCTCACACTGTGTACAGGTAAGAAACACAGGCTCGGGCTGGGCGTGG-3'
Protein context (NP_982272.2, residues 540-560): PHKEILEFPT[Arg550Gln]EVYVPHTVYR

ClinVar aggregate classification (germline): Uncertain significance. Review status: criteria provided, multiple submitters, no conflicts (2 of 4 stars). 2 submissions from 2 submitters: Uncertain significance (2). Last evaluated 2022-03-13.

Conditions:
Hyper-IgE recurrent infection syndrome 3, autosomal recessive. Also called: HYPER-IgE SYNDROME 3, AUTOSOMAL RECESSIVE, WITH RECURRENT INFECTIONS; Autosomal recessive hyper-IgE syndrome due to ZNF341 deficiency. Identifiers: Orphanet 641368, MedGen C4748969, MONDO:0032654, OMIM 618282.
Combined immunodeficiency due to DOCK8 deficiency (HIES2). Also called: HIES autosomal recessive; Hyper-IgE recurrent infection syndrome, autosomal recessive; HYPER-IgE RECURRENT INFECTION SYNDROME 2, AUTOSOMAL RECESSIVE; HYPER-IgE SYNDROME 2, AUTOSOMAL RECESSIVE, WITH RECURRENT INFECTIONS; DOCK8 Deficiency. Identifiers: Orphanet 217390, MedGen C4722305, MONDO:0009478, OMIM 243700.

Allele frequency attached by ClinVar (database versions not stated): gnomAD 0.00001; gnomAD exomes 0.00001; TOPMed 0.00001.
gnomAD v4.1: 15 of 1,613,942 alleles (0.00093%); highest among the groups gnomAD compares: Admixed American, 0.005%; no homozygotes.

Submissions (2):

Labcorp Genetics (formerly Invitae), Labcorp
Classification: Uncertain significance for Combined immunodeficiency due to DOCK8 deficiency. Last evaluated: 2022-03-13. Review status: criteria provided, single submitter. Criteria: Invitae Variant Classification Sherloc (09022015). Collection method: clinical testing. Allele origin: germline.
Comment: In summary, the available evidence is currently insufficient to determine the role of this variant in disease. Therefore, it has been classified as a Variant of Uncertain Significance. Algorithms developed to predict the effect of missense changes on protein structure and function (SIFT, PolyPhen-2, Align-GVGD) all suggest that this variant is likely to be tolerated. ClinVar contains an entry for this variant (Variation ID: 366677). This variant has not been reported in the literature in individuals affected with DOCK8-related conditions. This variant is present in population databases (no rsID available, gnomAD 0.006%). This sequence change replaces arginine, which is basic and polar, with glutamine, which is neutral and polar, at codon 550 of the DOCK8 protein (p.Arg550Gln).

Illumina Laboratory Services, Illumina
Classification: Uncertain significance for Combined immunodeficiency due to DOCK8 deficiency. Last evaluated: 2018-01-13. Review status: criteria provided, single submitter. Criteria: ICSL Variant Classification Criteria 13 December 2019. Collection method: clinical testing. Allele origin: germline.